The following is an entry in ClinVar:

ClinVar aggregate classification (germline): Uncertain significance (1 of 4 stars; one submission).

gnomAD v4.1: 3 of 1,613,432 alleles (0.00019%); highest among the groups gnomAD compares: Non-Finnish European, 0.00025%; no homozygotes.

Submission:

Labcorp Genetics (formerly Invitae), Labcorp
Classification: Uncertain significance. Last evaluated: 2025-03-20. Review status: criteria provided, single submitter. Criteria: Invitae Variant Classification Sherloc (09022015). Collection method: clinical testing. Allele origin: germline.
Comment: This sequence change replaces alanine, which is neutral and non-polar, with valine, which is neutral and non-polar, at codon 2298 of the SRCAP protein (p.Ala2298Val). This variant is not present in population databases (gnomAD no frequency). This variant has not been reported in the literature in individuals affected with SRCAP-related conditions. Invitae Evidence Modeling of protein sequence and biophysical properties (such as structural, functional, and spatial information, amino acid conservation, physicochemical variation, residue mobility, and thermodynamic stability) indicates that this missense variant is not expected to disrupt SRCAP protein function with a negative predictive value of 80%. In summary, the available evidence is currently insufficient to determine the role of this variant in disease. Therefore, it has been classified as a Variant of Uncertain Significance.

NM_006662.3(SRCAP):c.6893C>T (p.Ala2298Val)

Gene: SRCAP (Snf2 related CREBBP activator protein; plus strand). Cytogenetic location: 16p11.2.
Variant type: single nucleotide variant.
Coding change: c.6893C>T on transcript NM_006662.3 (MANE Select); coding-DNA position 6893, C replaced by T.
Protein change: p.Ala2298Val; replaces alanine 2298 with valine.
Molecular consequence: missense variant.
Genome position (GRCh38, 1-based): chr16:30,736,363, C>T. VCF-style: chr16-30736363-C-T. GRCh37 (hg19) VCF-style: chr16-30747684-C-T.
Other names: short protein forms A2298V.
Identifiers: ClinVar variation 4765780 (VCV004765780.1).